The following is an entry in ClinVar:

NM_000487.6(ARSA):c.127C>T (p.His43Tyr)

Gene: ARSA (arylsulfatase A; minus strand). Cytogenetic location: 22q13.33.
Variant type: single nucleotide variant.
Coding change: c.127C>T on transcript NM_000487.6 (MANE Select); coding-DNA position 127, C replaced by T.
Protein change: p.His43Tyr; replaces histidine 43 with tyrosine.
Molecular consequence: missense variant. On other transcripts: intron variant (2).
Genome position (GRCh38, 1-based): chr22:50,627,653, G>A on the plus strand (C>T on the coding strand, the complement: ARSA is on the minus strand). VCF-style: chr22-50627653-G-A. GRCh37 (hg19) VCF-style: chr22-51066081-G-A.
Other names: c.127C>T, p.His43Tyr (NM_001085425.3, NM_001085426.3, NM_001085427.3); c.-34-247C>T (NM_001362782.2, NM_001085428.3); short protein forms H43Y.
Identifiers: ClinVar variation 4689695 (VCV004689695.1).

ClinVar aggregate classification (germline): Uncertain significance (1 of 4 stars; one submission).

Submission:

Women's Health and Genetics/Laboratory Corporation of America, LabCorp
Classification: Uncertain significance. Last evaluated: 2026-01-02. Review status: criteria provided, single submitter. Criteria: LabCorp Variant Classification Summary - May 2015. Collection method: clinical testing. Allele origin: germline.
Comment: Variant summary: ARSA c.127C>T (p.His43Tyr) results in a conservative amino acid change in the encoded protein sequence. Algorithms developed to predict the effect of missense changes on protein structure and function are either unavailable or do not agree on the potential impact of this missense change. The variant was absent in 164634 control chromosomes. The available data on variant occurrences in the general population are insufficient to allow any conclusion about variant significance. To our knowledge, no occurrence of c.127C>T in individuals affected with ARSA-related conditions and no experimental evidence demonstrating its impact on protein function have been reported. No submitters have cited clinical-significance assessments for this variant to ClinVar. Based on the evidence outlined above, the variant was classified as uncertain significance.